The following is an entry in ClinVar:

NM_001302998.2(LIPI):c.644-6T>C

Gene: LIPI (lipase I; minus strand). Cytogenetic location: 21q11.2.
Variant type: single nucleotide variant.
Coding change: c.644-6T>C on transcript NM_001302998.2 (MANE Select); 6 bases into the intron before coding-DNA position 644, T replaced by C.
Molecular consequence: intron variant.
Genome position (GRCh38, 1-based): chr21:14,166,457, A>G on the plus strand (T>C on the coding strand, the complement: LIPI is on the minus strand). VCF-style: chr21-14166457-A-G. GRCh37 (hg19) VCF-style: chr21-15538778-A-G.
Other names: c.509-6T>C (NM_198996.4); c.149-6T>C (NM_001379566.1); c.644-1067T>C (NM_001302999.2); c.644-6T>C (NM_001379565.1, NM_001303000.2, NM_001303001.2); c.707-6T>C (NM_198996.3).
Identifiers: ClinVar variation 1588560 (VCV001588560.10), dbSNP rs369405102, ClinGen allele CA9979585.

ClinVar aggregate classification (germline): Likely benign. Review status: criteria provided, single submitter (1 of 4 stars). 2 submissions from 2 submitters: Likely benign (1). 1 of the submissions does not count toward it. Last evaluated 2024-06-03.

Conditions:
LIPI-related disorder. Also called: LIPI-related condition.

Allele frequency attached by ClinVar (database versions not stated): ExAC 0.00002; gnomAD 0.00003; gnomAD exomes 0.00003 and 0.00008; TOPMed 0.00004; ESP Exome Variant Server 0.00015.
gnomAD v4.1: 118 of 1,508,672 alleles (0.0078%); highest among the groups gnomAD compares: Non-Finnish European, 0.0096%; no homozygotes.

Submissions (2):

Labcorp Genetics (formerly Invitae), Labcorp
Classification: Likely benign. Last evaluated: 2024-06-03. Review status: criteria provided, single submitter. Criteria: Invitae Variant Classification Sherloc (09022015). Collection method: clinical testing. Allele origin: germline.

PreventionGenetics, part of Exact Sciences
Classification: Likely benign for LIPI-related condition. Last evaluated: 2019-06-07. Review status: no assertion criteria provided. Collection method: clinical testing. Allele origin: germline. Not counted in ClinVar's aggregate classification.
Comment: This variant is classified as likely benign based on ACMG/AMP sequence variant interpretation guidelines (Richards et al. 2015 PMID: 25741868, with internal and published modifications).